The following is an entry in ClinVar:

NM_000218.3(KCNQ1):c.1079_1084dup (p.Gln361_Lys362insArgGln)

Gene: KCNQ1 (potassium voltage-gated channel subfamily Q member 1; plus strand). Cytogenetic location: 11p15.5.
Variant type: Duplication.
Coding change: c.1079_1084dup on transcript NM_000218.3 (MANE Select); coding-DNA positions 1079 to 1084, 6 bases duplicated (GGCAGA; older notation c.1079_1084dupGGCAGA).
Protein change: p.Gln361_Lys362insArgGln.
Molecular consequence: inframe insertion. On other transcripts: inframe indel (2).
Genome position (GRCh38, 1-based): chr11:2,585,258-2,585,263, GGCAGA duplicated; duplicating any 6 consecutive bases within chr11:2,585,253-2,585,263 gives the same sequence; the c. name uses the placement nearest the transcript's 3' end. VCF-style (leftmost placement, unchanged base first): chr11-2585252-A-AGCAGAG. GRCh37 (hg19) VCF-style: chr11-2606482-A-AGCAGAG.
Other names: c.809_814dup, p.Gln271_Lys272insArgGln (NM_001406837.1); c.698_703dup, p.Gln234_Lys235insArgGln (NM_181798.2).
Identifiers: ClinVar variation 1013799 (VCV001013799.11), dbSNP rs1848576084, ClinGen allele CA1948228962.
Genomic context (GRCh38, chr11:2,585,252, plus strand): 5'-TCCTGTCCATTCCTTCCCAGGGGATTCTTGGCTCGGGGTTTGCCCTGAAGGTGCAGCAGA[A>AGCAGAG]GCAGAGGCAGAAGCACTTCAACCGGCAGATCCCGGCGGCAGCCTCACTCATTCAGGTGCG-3'

ClinVar aggregate classification (germline): Uncertain significance (1 of 4 stars; one submission).

Conditions:
Long QT syndrome (LQTS). Identifiers: MedGen C0023976, MeSH D008133, MONDO:0002442. Disease mechanism: loss of function. Inheritance: Various modes of inheritance.

Submission:

Labcorp Genetics (formerly Invitae), Labcorp
Classification: Uncertain significance for Long QT syndrome. Last evaluated: 2020-04-26. Review status: criteria provided, single submitter. Criteria: Invitae Variant Classification Sherloc (09022015). Collection method: clinical testing. Allele origin: germline.
Comment: In summary, the available evidence is currently insufficient to determine the role of this variant in disease. Therefore, it has been classified as a Variant of Uncertain Significance. Experimental studies and prediction algorithms are not available or were not evaluated, and the functional significance of this variant is currently unknown. This variant has not been reported in the literature in individuals with KCNQ1-related conditions. This variant is not present in population databases (ExAC no frequency). This variant, c.1079_1084dup, results in the insertion of 2 amino acid(s) to the KCNQ1 protein (p.Arg360_Gln361dup), but otherwise preserves the integrity of the reading frame.